The following is an entry in ClinVar:

ClinVar aggregate classification (germline): Pathogenic/Likely pathogenic. Review status: criteria provided, multiple submitters, no conflicts (2 of 4 stars). 4 submissions from 4 submitters: Pathogenic (2); Likely pathogenic (2). Last evaluated 2025-07-16.

Conditions:
Pontocerebellar hypoplasia type 6 (PCH6). Identifiers: Orphanet 166073, MedGen C1969084, MONDO:0012683, OMIM 611523.

Submissions (4):

3billion
Classification: Pathogenic for Pontocerebellar hypoplasia type 6. Last evaluated: 2025-07-16. Review status: criteria provided, single submitter. Criteria: ACMG Guidelines, 2015. Collection method: clinical testing. Allele origin: germline. Affected: yes.
Comment: The variant is observed at an extremely low frequency in the gnomAD v4.1.0 dataset (total allele frequency: <0.001%). Predicted Consequence/Location: Frameshift: predicted to result in a loss or disruption of normal protein function through nonsense-mediated decay (NMD) or protein truncation. Multiple pathogenic variants are reported downstream of the variant. The variant has been reported at least twice as pathogenic without evidence for the classification (ClinVar ID: VCV000942485). Therefore, this variant is classified as Pathogenic according to the recommendation of ACMG/AMP guideline.

Natera, Inc.
Classification: Likely pathogenic for Pontocerebellar hypoplasia, type 6. Last evaluated: 2025-04-25. Review status: criteria provided, single submitter. Criteria: Natera Variant Classification Schema (03/2026). Collection method: clinical testing. Allele origin: germline.
Comment: The c.1480_1481delCA variant in RARS2 is a frameshift variant predicted to shift the reading frame beginning at codon 494 and leads to a stop codon 17 codons downstream. This variant is expected to result in nonsense mediated decay, truncation, or a dysfunctional protein product. This variant is rare in the general population with a frequency below the threshold expected for the associated phenotype(s). Given the available evidence, this variant is classified as Likely Pathogenic.

Baylor Genetics
Classification: Likely pathogenic for Pontocerebellar hypoplasia type 6. Last evaluated: 2023-03-16. Review status: criteria provided, single submitter. Criteria: ACMG Guidelines, 2015. Collection method: clinical testing. Allele origin: unknown.

Labcorp Genetics (formerly Invitae), Labcorp
Classification: Pathogenic. Last evaluated: 2022-07-11. Review status: criteria provided, single submitter. Criteria: Invitae Variant Classification Sherloc (09022015). Collection method: clinical testing. Allele origin: germline.
Comment: This sequence change creates a premature translational stop signal (p.Gln494Valfs*17) in the RARS2 gene. It is expected to result in an absent or disrupted protein product. Loss-of-function variants in RARS2 are known to be pathogenic (PMID: 17847012, 22569581, 26083569). For these reasons, this variant has been classified as Pathogenic. ClinVar contains an entry for this variant (Variation ID: 942485). This variant has not been reported in the literature in individuals affected with RARS2-related conditions. This variant is present in population databases (rs776309120, gnomAD 0.006%).

Literature cited by the submitters: PubMed 17847012 (cited by Labcorp Genetics (formerly Invitae), Labcorp); PubMed 22569581 (cited by Labcorp Genetics (formerly Invitae), Labcorp); PubMed 26083569 (cited by Labcorp Genetics (formerly Invitae), Labcorp).

NM_020320.5(RARS2):c.1480_1481del (p.Gln494fs)

Gene: RARS2 (arginyl-tRNA synthetase 2, mitochondrial; minus strand). Cytogenetic location: 6q15.
Variant type: Microsatellite.
Coding change: c.1480_1481del on transcript NM_020320.5 (MANE Select); coding-DNA positions 1480 to 1481, 2 bases deleted (CA; older notation c.1480_1481delCA).
Protein change: p.Gln494fs; shifts the reading frame from glutamine 494.
Molecular consequence: frameshift variant. On other transcripts: non-coding transcript variant (19).
Genome position (GRCh38, 1-based): chr6:87,518,199-87,518,200, TG deleted on the plus strand (CA on the coding strand, the reverse complement: RARS2 is on the minus strand); deleting any 2 consecutive bases within chr6:87,518,199-87,518,202 gives the same sequence; the c. name uses the placement nearest the transcript's 3' end. VCF-style (leftmost placement, unchanged base first): chr6-87518198-CTG-C. GRCh37 (hg19) VCF-style: chr6-88227916-CTG-C.
Other names: c.955_956del, p.Gln319fs (NM_001318785.2, NM_001350506.2, NM_001350507.2 and 4 more transcripts); c.1480_1481del, p.Gln494fs (NM_001350505.2); c.1480_1481delCA (NM_020320.4); short protein forms Q319fs, Q494fs.
Identifiers: ClinVar variation 942485 (VCV000942485.10), dbSNP rs776309120, ClinGen allele CA3916264.
Genomic context (GRCh38, chr6:87,518,198, plus strand): 5'-CACACTTGATGATCCCTGGAAAACATCATACCTGAGAAGATGCTGAAGAATTGAAACAGA[CTG>C]TGGCTCTTGTAAACAAGCAGTGTTGAAGTCATTCAGGTACCCACATCCAAAAGTCTCTTC-3'